The following is an entry in ClinVar:

NM_020207.7(ERCC6L2):c.572C>A (p.Pro191His)

Gene: ERCC6L2 (ERCC excision repair 6 like 2; plus strand). Cytogenetic location: 9q22.32.
Variant type: single nucleotide variant.
Coding change: c.572C>A on transcript NM_020207.7 (MANE Select); coding-DNA position 572, C replaced by A.
Protein change: p.Pro191His; replaces proline 191 with histidine.
Molecular consequence: missense variant. On other transcripts: non-coding transcript variant (1).
Genome position (GRCh38, 1-based): chr9:95,897,949, C>A. VCF-style: chr9-95897949-C-A. GRCh37 (hg19) VCF-style: chr9-98660231-C-A.
Other names: c.572C>A, p.Pro191His (NM_001010895.4, NM_001375291.1, NM_001375292.1 and 2 more transcripts); short protein forms P191H.
Identifiers: ClinVar variation 3510024 (VCV003510024.1).
Genomic context (GRCh38, chr9:95,897,949, plus strand): 5'-CTCGTGAGGATATTGAAAATAACATGCCAGAGTTTTTACTAAGAAGTATGAAAAAGGAAC[C>A]CCTTTCTTCTACAGCAAAAAAGGTAAAATCTCTAGACAATGTATATTCTACTCATGATGC-3'
Protein context (NP_064592.3, residues 181-201): EFLLRSMKKE[Pro191His]LSSTAKKMFL

ClinVar aggregate classification (germline): Uncertain significance (1 of 4 stars; one submission).

Conditions:
Inborn genetic diseases. Identifiers: MedGen C0950123, MeSH D030342.

Submission:

Ambry Genetics
Classification: Uncertain significance for Inborn genetic diseases. Last evaluated: 2024-12-08. Review status: criteria provided, single submitter. Criteria: Ambry Variant Classification Scheme 2023. Collection method: clinical testing. Allele origin: germline.
Comment: The p.P191H variant (also known as c.572C>A), located in coding exon 3 of the ERCC6L2 gene, results from a C to A substitution at nucleotide position 572. The proline at codon 191 is replaced by histidine, an amino acid with similar properties. This amino acid position is conserved. In addition, this alteration is predicted to be tolerated by in silico analysis. Based on the available evidence, the clinical significance of this variant remains unclear.